The following is an entry in ClinVar:

NM_007294.4(BRCA1):c.157A>G (p.Asn53Asp)

Gene: BRCA1 (BRCA1 DNA repair associated; minus strand). Cytogenetic location: 17q21.31.
Variant type: single nucleotide variant.
Coding change: c.157A>G on transcript NM_007294.4 (MANE Select); coding-DNA position 157, A replaced by G.
Protein change: p.Asn53Asp; replaces asparagine 53 with aspartic acid.
Molecular consequence: missense variant. On other transcripts: non-coding transcript variant (1).
Genome position (GRCh38, 1-based): chr17:43,106,511, T>C on the plus strand (A>G on the coding strand, the complement: BRCA1 is on the minus strand). VCF-style: chr17-43106511-T-C. GRCh37 (hg19) VCF-style: chr17-41258528-T-C.
Other names: c.157A>G, p.Asn53Asp (NM_001407638.1, NM_001407639.1, NM_001407640.1 and 168 more transcripts); c.16A>G, p.Asn6Asp (NM_001407692.1, NM_001407694.1, NM_001407695.1 and 99 more transcripts); c.-32A>G (NM_001407853.1, NM_001407879.1, NM_001407881.1 and 58 more transcripts); short protein forms N6D, N53D.
Identifiers: ClinVar variation 867896 (VCV000867896.3), dbSNP rs2054788992, ClinGen allele CA10601843.

Conditions:
Breast-ovarian cancer, familial, susceptibility to, 1 (BROVCA1). Also called: BRCA1 Hereditary Breast and Ovarian Cancer; OVARIAN CANCER, SUSCEPTIBILITY TO. Identifiers: Orphanet 145, MedGen C2676676, MONDO:0011450, OMIM 604370. Disease mechanism: loss of function.

Submission:

Brotman Baty Institute, University of Washington
No classification provided (evidence only). Condition: Breast-ovarian cancer, familial 1. Review status: no classification provided. Collection method: in vitro. Allele origin: not applicable. Functional consequence: functionally_normal.
ClinVar note: "not provided" was previously submitted as the classification for the variant. However, the classification appeared to be based only on an observation of functional data so it was converted to no classification on 2025-07-30.